The following is an entry in ClinVar:

ClinVar aggregate classification (germline): Likely pathogenic (1 of 4 stars; one submission).

Conditions:
Juvenile neuronal ceroid lipofuscinosis. Also called: Batten Disease. Identifiers: Orphanet 79264, MedGen CN293564, MONDO:0019262.

Submission:

Natera, Inc.
Classification: Likely pathogenic for Batten Disease. Last evaluated: 2024-04-24. Review status: criteria provided, single submitter. Criteria: Natera Variant Classification Schema (03/2026). Collection method: clinical testing. Allele origin: germline.
Comment: The c.181delG variant in CLN3 is a frameshift variant predicted to shift the reading frame beginning at codon 61 and leads to a stop codon 120 codons downstream. This variant is expected to result in nonsense mediated decay, truncation, or a dysfunctional protein product. This variant is rare in the general population with a frequency below the threshold expected for the associated phenotype(s). Given the available evidence, this variant is classified as Likely Pathogenic.

NM_001042432.2(CLN3):c.181del (p.Asp61fs)

Gene: CLN3 (CLN3 lysosomal/endosomal transmembrane protein, battenin; minus strand). Cytogenetic location: 16p12.1.
Variant type: Deletion.
Coding change: c.181del on transcript NM_001042432.2 (MANE Select); coding-DNA position 181, one base deleted (G; older notation c.181delG).
Protein change: p.Asp61fs; shifts the reading frame from aspartic acid 61.
Molecular consequence: frameshift variant. On other transcripts: 5 prime UTR variant (1).
Genome position (GRCh38, 1-based): chr16:28,489,331, C deleted on the plus strand (G on the coding strand, the reverse complement: CLN3 is on the minus strand). VCF-style (leftmost placement, unchanged base first): chr16-28489330-TC-T. GRCh37 (hg19) VCF-style: chr16-28500651-TC-T.
Other names: c.181del, p.Asp61fs (NM_000086.2, NM_001286104.2); c.181delG (NM_000086.2); c.-40del (NM_001286105.2); c.19del, p.Asp7fs (NM_001286109.2, NM_001286110.2); short protein forms D61fs, D7fs.
Identifiers: ClinVar variation 4817039 (VCV004817039.1).